The following is an entry in ClinVar:

NM_004304.5(ALK):c.1969G>C (p.Glu657Gln)

Gene: ALK (ALK receptor tyrosine kinase; minus strand). Cytogenetic location: 2p23.2.
Variant type: single nucleotide variant.
Coding change: c.1969G>C on transcript NM_004304.5 (MANE Select); coding-DNA position 1969, G replaced by C.
Protein change: p.Glu657Gln; replaces glutamic acid 657 with glutamine.
Molecular consequence: missense variant.
Genome position (GRCh38, 1-based): chr2:29,275,171, C>G on the plus strand (G>C on the coding strand, the complement: ALK is on the minus strand). VCF-style: chr2-29275171-C-G. GRCh37 (hg19) VCF-style: chr2-29498037-C-G.
Other names: short protein forms E657Q.
Identifiers: ClinVar variation 2883649 (VCV002883649.3), dbSNP rs2148215095, ClinGen allele CA346479715.

ClinVar aggregate classification (germline): Uncertain significance (1 of 4 stars; one submission).

Conditions:
Neuroblastoma, susceptibility to, 3. Also called: ALK-Related Neuroblastic Tumor Susceptibility. Identifiers: Orphanet 635, MedGen C2751681, MONDO:0013083, OMIM 613014.

Submission:

Labcorp Genetics (formerly Invitae), Labcorp
Classification: Uncertain significance for Neuroblastoma, susceptibility to, 3. Last evaluated: 2023-09-19. Review status: criteria provided, single submitter. Criteria: Invitae Variant Classification Sherloc (09022015). Collection method: clinical testing. Allele origin: germline.
Comment: In summary, the available evidence is currently insufficient to determine the role of this variant in disease. Therefore, it has been classified as a Variant of Uncertain Significance. An algorithm developed to predict the effect of missense changes on protein structure and function (PolyPhen-2) suggests that this variant is likely to be tolerated. This variant has not been reported in the literature in individuals affected with ALK-related conditions. This variant is not present in population databases (gnomAD no frequency). This sequence change replaces glutamic acid, which is acidic and polar, with glutamine, which is neutral and polar, at codon 657 of the ALK protein (p.Glu657Gln).